The following is an entry in ClinVar:

ClinVar aggregate classification (germline): Likely benign (1 of 4 stars; one submission).

Allele frequency attached by ClinVar (database versions not stated): gnomAD 0.00001; ExAC 0.00002; gnomAD exomes 0.00002; TOPMed 0.00002.

Submission:

CeGaT Center for Human Genetics Tuebingen
Classification: Likely benign. Last evaluated: 2023-01-01. Review status: criteria provided, single submitter. Criteria: CeGaT Center For Human Genetics Tuebingen Variant Classification Criteria Version 2. Collection method: clinical testing. Allele origin: germline. Affected: yes. Observed: 1 variant allele.
Comment: CYP2A13: BP4, BP7

NM_000766.5(CYP2A13):c.688C>T (p.Leu230=)

Gene: CYP2A13 (cytochrome P450 family 2 subfamily A member 13; plus strand). Cytogenetic location: 19q13.2.
Variant type: single nucleotide variant.
Coding change: c.688C>T on transcript NM_000766.5 (MANE Select); coding-DNA position 688, C replaced by T.
Protein change: p.Leu230=; no amino-acid change (leucine 230 retained).
Molecular consequence: synonymous variant.
Genome position (GRCh38, 1-based): chr19:41,091,765, C>T. VCF-style: chr19-41091765-C-T. GRCh37 (hg19) VCF-style: chr19-41597670-C-T.
Identifiers: ClinVar variation 2649921 (VCV002649921.24), dbSNP rs762012088, ClinGen allele CA9456312.